The following is an entry in ClinVar:

NM_033087.4(ALG2):c.1078T>C (p.Phe360Leu)

Gene: ALG2 (ALG2 alpha-1,3/1,6-mannosyltransferase; minus strand). Cytogenetic location: 9q22.33.
Variant type: single nucleotide variant.
Coding change: c.1078T>C on transcript NM_033087.4 (MANE Select); coding-DNA position 1078, T replaced by C.
Protein change: p.Phe360Leu; replaces phenylalanine 360 with leucine.
Molecular consequence: missense variant. On other transcripts: non-coding transcript variant (1).
Genome position (GRCh38, 1-based): chr9:99,218,107, A>G on the plus strand (T>C on the coding strand, the complement: ALG2 is on the minus strand). VCF-style: chr9-99218107-A-G. GRCh37 (hg19) VCF-style: chr9-101980389-A-G.
Other names: short protein forms F360L.
Identifiers: ClinVar variation 948970 (VCV000948970.8), dbSNP rs1828725925, ClinGen allele CA374225938.

ClinVar aggregate classification (germline): Uncertain significance (1 of 4 stars; one submission).

Conditions:
Congenital myasthenic syndrome 14. Also called: Myasthenic syndrome, congenital, 14, with tubular aggregates. Identifiers: Orphanet 353327, Orphanet 590, MedGen C4015597, MONDO:0014543, OMIM 616228.
Congenital disorder of glycosylation, type Ii. Also called: CDG Ii; ALG2-congenital disorder of glycosylation; ALG2-CDG. Identifiers: Orphanet 79326, MedGen C1842836, MONDO:0011933, OMIM 607906.

Allele frequency attached by ClinVar (database versions not stated): TOPMed below 0.00001; gnomAD 0.00001; gnomAD exomes below 0.00001.

Submission:

Labcorp Genetics (formerly Invitae), Labcorp
Classification: Uncertain significance for Congenital disorder of glycosylation, type Ii; Congenital myasthenic syndrome 14. Last evaluated: 2019-07-08. Review status: criteria provided, single submitter. Criteria: Invitae Variant Classification Sherloc (09022015). Collection method: clinical testing. Allele origin: germline.
Comment: This sequence change replaces phenylalanine with leucine at codon 360 of the ALG2 protein (p.Phe360Leu). The phenylalanine residue is highly conserved and there is a small physicochemical difference between phenylalanine and leucine. In summary, the available evidence is currently insufficient to determine the role of this variant in disease. Therefore, it has been classified as a Variant of Uncertain Significance. Algorithms developed to predict the effect of missense changes on protein structure and function are either unavailable or do not agree on the potential impact of this missense change (SIFT: "Deleterious"; PolyPhen-2: "Possibly Damaging"; Align-GVGD: "Class C0"). This variant has not been reported in the literature in individuals with ALG2-related conditions. This variant is not present in population databases (ExAC no frequency).